The following is an entry in ClinVar:

ClinVar aggregate classification (germline): Uncertain significance (1 of 4 stars; one submission).

Submission:

GeneDx
Classification: Uncertain significance. Last evaluated: 2024-04-05. Review status: criteria provided, single submitter. Criteria: GeneDx Variant Classification Process June 2021. Collection method: clinical testing. Allele origin: germline. Affected: yes.
Comment: Not observed at significant frequency in large population cohorts (gnomAD); In silico analysis supports that this missense variant has a deleterious effect on protein structure/function; Has not been previously published as pathogenic or benign to our knowledge

NM_012330.4(KAT6B):c.449A>G (p.Gln150Arg)

Gene: KAT6B (lysine acetyltransferase 6B; plus strand). Cytogenetic location: 10q22.2.
Variant type: single nucleotide variant.
Coding change: c.449A>G on transcript NM_012330.4 (MANE Select); coding-DNA position 449, A replaced by G.
Protein change: p.Gln150Arg; replaces glutamine 150 with arginine.
Molecular consequence: missense variant. On other transcripts: 5 prime UTR variant (2).
Genome position (GRCh38, 1-based): chr10:74,843,306, A>G. VCF-style: chr10-74843306-A-G. GRCh37 (hg19) VCF-style: chr10-76603064-A-G.
Other names: c.449A>G, p.Gln150Arg (NM_001256468.2, NM_001256469.2, NM_001370132.1 and 10 more transcripts); c.-90A>G (NM_001370134.1, NM_001370135.1); short protein forms Q150R.
Identifiers: ClinVar variation 3372164 (VCV003372164.1).
Genomic context (GRCh38, chr10:74,843,306, plus strand): 5'-AGAAGTATCTCAGAAGTCAAAGTGATCTCACAAGCACCACCAACAACCCAGCCTTTCAGC[A>G]GCGGCTGCGACTGGGGGCCAAACGCGCTGTGAATAATGGGAGGTTACTGAAAGACGGACC-3'
Protein context (NP_036462.2, residues 140-160): TSTTNNPAFQ[Gln150Arg]RLRLGAKRAV